The following is an entry in ClinVar:

NM_033087.4(ALG2):c.1246G>C (p.Val416Leu)

Gene: ALG2 (ALG2 alpha-1,3/1,6-mannosyltransferase; minus strand). Cytogenetic location: 9q22.33.
Variant type: single nucleotide variant.
Coding change: c.1246G>C on transcript NM_033087.4 (MANE Select); coding-DNA position 1246, G replaced by C.
Protein change: p.Val416Leu; replaces valine 416 with leucine.
Molecular consequence: missense variant. On other transcripts: non-coding transcript variant (1).
Genome position (GRCh38, 1-based): chr9:99,217,939, C>G on the plus strand (G>C on the coding strand, the complement: ALG2 is on the minus strand). VCF-style: chr9-99217939-C-G. GRCh37 (hg19) VCF-style: chr9-101980221-C-G.
Other names: short protein forms V416L.
Identifiers: ClinVar variation 968577 (VCV000968577.7), dbSNP rs749613639, ClinGen allele CA5156179.

ClinVar aggregate classification (germline): Uncertain significance (1 of 4 stars; one submission).

Conditions:
Congenital myasthenic syndrome 14. Also called: Myasthenic syndrome, congenital, 14, with tubular aggregates. Identifiers: Orphanet 353327, Orphanet 590, MedGen C4015597, MONDO:0014543, OMIM 616228.
Congenital disorder of glycosylation, type Ii. Also called: CDG Ii; ALG2-congenital disorder of glycosylation; ALG2-CDG. Identifiers: Orphanet 79326, MedGen C1842836, MONDO:0011933, OMIM 607906.

Allele frequency attached by ClinVar (database versions not stated): gnomAD 0.00001; ExAC 0.00001.
gnomAD v4.1: 6 of 1,614,056 alleles (0.00037%); highest among the groups gnomAD compares: Non-Finnish European, 0.00051%; no homozygotes.

Submission:

Labcorp Genetics (formerly Invitae), Labcorp
Classification: Uncertain significance for Congenital disorder of glycosylation, type Ii; Congenital myasthenic syndrome 14. Last evaluated: 2022-11-15. Review status: criteria provided, single submitter. Criteria: Invitae Variant Classification Sherloc (09022015). Collection method: clinical testing. Allele origin: germline.
Comment: In summary, the available evidence is currently insufficient to determine the role of this variant in disease. Therefore, it has been classified as a Variant of Uncertain Significance. Algorithms developed to predict the effect of missense changes on protein structure and function (SIFT, PolyPhen-2, Align-GVGD) all suggest that this variant is likely to be tolerated. ClinVar contains an entry for this variant (Variation ID: 968577). This variant has not been reported in the literature in individuals affected with ALG2-related conditions. This variant is present in population databases (rs749613639, gnomAD 0.002%). This sequence change replaces valine, which is neutral and non-polar, with leucine, which is neutral and non-polar, at codon 416 of the ALG2 protein (p.Val416Leu).